The following is an entry in ClinVar:

NM_000257.4(MYH7):c.5229G>T (p.Glu1743Asp)

Genes: MYH7 (myosin heavy chain 7; minus strand), LOC126861897 (BRD4-independent group 4 enhancer GRCh37_chr14:23884455-23885654; plus strand). Cytogenetic location: 14q11.2.
Variant type: single nucleotide variant.
Coding change: c.5229G>T on transcript NM_000257.4 (MANE Select); coding-DNA position 5229, G replaced by T.
Protein change: p.Glu1743Asp; replaces glutamic acid 1743 with aspartic acid.
Molecular consequence: missense variant.
Genome position (GRCh38, 1-based): chr14:23,415,435, C>A on the plus strand (G>T on the coding strand, the complement: MYH7 is on the minus strand). VCF-style: chr14-23415435-C-A. GRCh37 (hg19) VCF-style: chr14-23884644-C-A.
Other names: p.E1743D:GAG>GAT; c.5229G>T (LRG_384t1); short protein forms E1743D.
Identifiers: ClinVar variation 181274 (VCV000181274.24), dbSNP rs149509691, ClinGen allele CA015789.
Genomic context (GRCh38, chr14:23,415,435, plus strand): 5'-ACTTACATCCGTGATGGCCTTCTTGGCCTTCTCCTCAGCATTCCTGCACTCCTGCACTGC[C>A]TCCTCCACTTCAGTCTGGAGCTGGGACAGGTCAGCATCCATCTTCTTCTTCTGGTTGATG-3'
Protein context (NP_000248.2, residues 1733-1753): DLSQLQTEVE[Glu1743Asp]AVQECRNAEE

ClinVar aggregate classification (germline): Uncertain significance. Review status: criteria provided, multiple submitters, no conflicts (2 of 4 stars). 9 submissions from 9 submitters: Uncertain significance (9). Last evaluated 2025-06-02.

Conditions:
Hypertrophic cardiomyopathy 1 (CMH1). Also called: Familial hypertrophic cardiomyopathy 1; MYH7-Related Familial Hypertrophic Cardiomyopathy. Identifiers: MedGen C3495498, MONDO:0008647, OMIM 192600.
Myopathy, myosin storage, autosomal recessive (CMYO7B). Also called: CONGENITAL MYOPATHY 7B, MYOSIN STORAGE, AUTOSOMAL RECESSIVE. Identifiers: Orphanet 636970, MedGen C1850709, MONDO:0009708, OMIM 255160.
Myosin storage myopathy (CMYO7A). Also called: MYOPATHY WITH LYSIS OF TYPE I MYOFIBRILS; MYH7-related late-onset scapuloperoneal muscular dystrophy; Congenital myopathy 7A, myosin storage, autosomal dominant; MYOPATHY, HYALINE BODY, AUTOSOMAL DOMINANT; Scapuloperoneal myopathy, MYH7-related; SCAPULOPERONEAL MUSCULAR DYSTROPHY. Identifiers: Orphanet 437572, Orphanet 636965, MedGen C1842160, MONDO:0008409, OMIM 608358.
Dilated cardiomyopathy 1S (CMD1S). Identifiers: Orphanet 154, Orphanet 54260, MedGen C1834481, MONDO:0013262, OMIM 613426.
Congenital myopathy with fiber type disproportion. Also called: Congenital fiber-type disproportion; Congenital fiber-type disproportion myopathy. Identifiers: Orphanet 2020, MedGen C0546264, MONDO:0009711. Inheritance: all.
MYH7-related skeletal myopathy. Also called: Myopathy, distal, 1; Laing early-onset distal myopathy; MYOPATHY, DISTAL, EARLY-ONSET, AUTOSOMAL DOMINANT; MYOPATHY, LATE DISTAL HEREDITARY; Laing distal myopathy. Identifiers: Orphanet 59135, MedGen C4552004, MONDO:0008050, OMIM 160500.
Cardiovascular phenotype. Identifiers: MedGen CN230736.
Cardiomyopathy (CMYO). Also called: Cardiomyopathies. Identifiers: Orphanet 167848, MedGen C0878544, MONDO:0004994, HP:0001638. Inheritance: Various modes of inheritance.
Hypertrophic cardiomyopathy. Also called: HYPERTROPHIC MYOCARDIOPATHY. Identifiers: Orphanet 217569, MedGen C0007194, MeSH D002312, MONDO:0005045, HP:0001639.

Allele frequency attached by ClinVar (database versions not stated): gnomAD 0.00001; ExAC 0.00002; gnomAD exomes 0.00002; TOPMed 0.00002; ESP Exome Variant Server 0.00008.
gnomAD v4.1: 26 of 1,614,122 alleles (0.0016%); highest among the groups gnomAD compares: Non-Finnish European, 0.002%; no homozygotes.

Submissions (9):

Color Diagnostics, LLC DBA Color Health
Classification: Uncertain significance for Cardiomyopathy. Last evaluated: 2025-06-02. Review status: criteria provided, single submitter. Criteria: ACMG Guidelines, 2015. Collection method: clinical testing. Allele origin: germline.
Comment: This missense variant replaces glutamic acid with aspartic acid at codon 1743 of the MYH7 protein. Computational prediction suggests that this variant may not impact protein structure and function. To our knowledge, functional studies have not been reported for this variant. This variant has not been reported in individuals affected with MYH7-related disorders in the literature. This variant has been identified in 5/251482 chromosomes in the general population by the Genome Aggregation Database (gnomAD). The available evidence is insufficient to determine the role of this variant in disease conclusively. Therefore, this variant is classified as a Variant of Uncertain Significance.

Labcorp Genetics (formerly Invitae), Labcorp
Classification: Uncertain significance for Hypertrophic cardiomyopathy. Last evaluated: 2025-01-19. Review status: criteria provided, single submitter. Criteria: Invitae Variant Classification Sherloc (09022015). Collection method: clinical testing. Allele origin: germline.
Comment: This sequence change replaces glutamic acid, which is acidic and polar, with aspartic acid, which is acidic and polar, at codon 1743 of the MYH7 protein (p.Glu1743Asp). This variant is present in population databases (rs149509691, gnomAD 0.002%). This variant has not been reported in the literature in individuals affected with MYH7-related conditions. ClinVar contains an entry for this variant (Variation ID: 181274). Invitae Evidence Modeling of protein sequence and biophysical properties (such as structural, functional, and spatial information, amino acid conservation, physicochemical variation, residue mobility, and thermodynamic stability) has been performed for this missense variant. However, the output from this modeling did not meet the statistical confidence thresholds required to predict the impact of this variant on MYH7 protein function. In summary, the available evidence is currently insufficient to determine the role of this variant in disease. Therefore, it has been classified as a Variant of Uncertain Significance.

All of Us Research Program, National Institutes of Health
Classification: Uncertain significance for Cardiomyopathy. Last evaluated: 2024-09-23. Review status: criteria provided, single submitter. Criteria: ACMG Guidelines, 2015. Collection method: clinical testing. Allele origin: germline. Inheritance: Autosomal dominant inheritance. Observed: 4 variant alleles, 4 heterozygotes.
Comment: This missense variant replaces glutamic acid with aspartic acid at codon 1743 of the MYH7 protein. Computational prediction suggests that this variant may not impact protein structure and function (internally defined REVEL score threshold <= 0.5, PMID: 27666373). To our knowledge, functional studies have not been reported for this variant. This variant has not been reported in individuals affected with MYH7-related disorders in the literature. This variant has been identified in 5/251482 chromosomes in the general population by the Genome Aggregation Database (gnomAD). The available evidence is insufficient to determine the role of this variant in disease conclusively. Therefore, this variant is classified as a Variant of Uncertain Significance.

This study involves interpretation of variants in research participants for the purpose of population health screening. Participant phenotype was not available at the time of variant classification. Additional details can be found in publication PMID: 35346344, PMCID: PMC8962531

Ambry Genetics
Classification: Uncertain significance for Cardiovascular phenotype. Last evaluated: 2023-08-11. Review status: criteria provided, single submitter. Criteria: Ambry Variant Classification Scheme 2023. Collection method: clinical testing. Allele origin: germline.
Comment: The p.E1743D variant (also known as c.5229G>T), located in coding exon 34 of the MYH7 gene, results from a G to T substitution at nucleotide position 5229. The glutamic acid at codon 1743 is replaced by aspartic acid, an amino acid with highly similar properties. This amino acid position is well conserved in available vertebrate species. In addition, this alteration is predicted to be tolerated by in silico analysis. Since supporting evidence is limited at this time, the clinical significance of this alteration remains unclear.

CHEO Genetics Diagnostic Laboratory, Children's Hospital of Eastern Ontario
Classification: Uncertain significance for Cardiomyopathy. Last evaluated: 2023-01-20. Review status: criteria provided, single submitter. Criteria: ACMG Guidelines, 2015. Collection method: clinical testing. Allele origin: germline.

Fulgent Genetics
Classification: Uncertain significance for MYH7-related skeletal myopathy; Myosin storage myopathy; Hypertrophic cardiomyopathy 1; Myopathy, myosin storage, autosomal recessive; Congenital myopathy 4A, autosomal dominant; Dilated cardiomyopathy 1S. Last evaluated: 2021-09-28. Review status: criteria provided, single submitter. Criteria: ACMG Guidelines, 2015. Collection method: clinical testing. Allele origin: unknown.

Victorian Clinical Genetics Services, Murdoch Childrens Research Institute
Classification: Uncertain significance for Hypertrophic cardiomyopathy 1. Last evaluated: 2020-05-26. Review status: criteria provided, single submitter. Criteria: ACMG Guidelines, 2015. Collection method: clinical testing. Allele origin: germline. Affected: yes.
Comment: Based on the classification scheme VCGS_Germline_v1.1.1, this variant is classified as a 3C-VUS. Following criteria are met: 0104 - Dominant Negative is a mechanism of disease for this gene (PMID:30623132). (N) 0108 - This gene is known to be associated with both recessive and dominant disease. (N) 0200 - Variant is predicted to result in a missense amino acid change from a glutamic acid to an aspartic acid (exon 36). (N) 0251 - Variant is heterozygous. (N) 0302 - Variant is present in gnomAD <0.001 for a dominant condition (5 heterozygotes, 0 homozygotes). (P) 0504 - Same amino acid change has been observed in mammals. (B) 0600 - Variant is located in an annotated domain or motif (Myosin tail domain; PDB). (N) 0705 - No comparable variants have previous evidence for pathogenicity. (N) 0804 - Variant is present at a low frequency in the population and has previously been described as a variant of uncertain significance (ClinVar). (P) 0905 - No segregation evidence has been identified for this variant. (N) 1007 - No published functional evidence has been identified for this variant. (N) 1208 - Inheritance information for this variant is not currently available. (N) Legend: (P) - Pathogenic, (N) - Neutral, (B) - Benign

GeneDx
Classification: Uncertain significance. Last evaluated: 2020-03-20. Review status: criteria provided, single submitter. Criteria: GeneDx Variant Classification Process June 2021. Collection method: clinical testing. Allele origin: germline. Affected: yes.
Comment: Has not been previously reported in individuals with MYH7-related disease to our knowledge; Not observed at a significant frequency in large population cohorts (Lek et al., 2016); Reported in ClinVar as a variant of uncertain significance (ClinVar Variant ID# 181274; Landrum et al., 2016); In silico analysis supports that this missense variant does not alter protein structure/function; This variant is associated with the following publications: (PMID: 23403236)

Revvity Omics, Revvity
Classification: Uncertain significance. Last evaluated: 2019-05-28. Review status: criteria provided, single submitter. Criteria: ACMG Guidelines, 2015. Collection method: clinical testing. Allele origin: germline.

Literature cited by the submitters: PubMed 30623132 (cited by Victorian Clinical Genetics Services, Murdoch Childrens Research Institute).